The following is an entry in ClinVar:

NM_032520.5(GNPTG):c.557G>A (p.Arg186Gln)

Gene: GNPTG (N-acetylglucosamine-1-phosphate transferase subunit gamma; plus strand). Cytogenetic location: 16p13.3.
Variant type: single nucleotide variant.
Coding change: c.557G>A on transcript NM_032520.5 (MANE Select); coding-DNA position 557, G replaced by A.
Protein change: p.Arg186Gln; replaces arginine 186 with glutamine.
Molecular consequence: missense variant.
Genome position (GRCh38, 1-based): chr16:1,362,482, G>A. VCF-style: chr16-1362482-G-A. GRCh37 (hg19) VCF-style: chr16-1412483-G-A.
Other names: short protein forms R186Q.
Identifiers: ClinVar variation 550486 (VCV000550486.10), dbSNP rs139997459, ClinGen allele CA7807803.

ClinVar aggregate classification (germline): Conflicting classifications of pathogenicity. Review status: criteria provided, conflicting classifications (1 of 4 stars). 5 submissions from 5 submitters: Uncertain significance (2); Likely benign (1). 2 of the submissions do not count toward it. Last evaluated 2023-09-08.

Conditions:
GNPTG-mucolipidosis. Also called: Mucolipidosis type III gamma; MUCOLIPIDOSIS III, COMPLEMENTATION GROUP C; MUCOLIPIDOSIS III, IRANIAN VARIANT FORM; MUCOLIPIDOSIS III, VARIANT FORM; ML III GAMMA; ML IIIC. Identifiers: Orphanet 423470, Orphanet 577, MedGen C1854896, MONDO:0009652, OMIM 252605.

Allele frequency attached by ClinVar (database versions not stated): gnomAD exomes 0.00006 and 0.00008; TOPMed 0.00006; ExAC 0.00008; gnomAD 0.00010 and 0.00011; 1000 Genomes Project 0.00020; 1000 Genomes Project 30x 0.00031.

Submissions (5):

Blueprint Genetics
Classification: Likely benign. Last evaluated: 2023-09-08. Review status: criteria provided, single submitter. Criteria: ACMG Guidelines, 2015. Collection method: clinical testing. Allele origin: germline.

Labcorp Genetics (formerly Invitae), Labcorp
Classification: Uncertain significance. Last evaluated: 2022-08-11. Review status: criteria provided, single submitter. Criteria: Invitae Variant Classification Sherloc (09022015). Collection method: clinical testing. Allele origin: germline.
Comment: This sequence change replaces arginine, which is basic and polar, with glutamine, which is neutral and polar, at codon 186 of the GNPTG protein (p.Arg186Gln). This variant is present in population databases (rs139997459, gnomAD 0.03%). This variant has not been reported in the literature in individuals affected with GNPTG-related conditions. ClinVar contains an entry for this variant (Variation ID: 550486). Algorithms developed to predict the effect of missense changes on protein structure and function output the following: SIFT: "Tolerated"; PolyPhen-2: "Benign"; Align-GVGD: "Class C0". The glutamine amino acid residue is found in multiple mammalian species, which suggests that this missense change does not adversely affect protein function. In summary, the available evidence is currently insufficient to determine the role of this variant in disease. Therefore, it has been classified as a Variant of Uncertain Significance.

Genome-Nilou Lab
Classification: Uncertain significance for GNPTG-mucolipidosis. Last evaluated: 2021-11-07. Review status: criteria provided, single submitter. Criteria: ACMG Guidelines, 2015. Collection method: clinical testing. Allele origin: germline. Affected: no.

Natera, Inc.
Classification: Uncertain significance for Mucolipidosis III gamma. Last evaluated: 2020-07-26. Review status: no assertion criteria provided. Collection method: clinical testing. Allele origin: germline. Not counted in ClinVar's aggregate classification.

Counsyl
Classification: Uncertain significance for GNPTG-mucolipidosis. Last evaluated: 2017-01-25. Review status: no assertion criteria provided. Collection method: clinical testing. Allele origin: unknown. Not counted in ClinVar's aggregate classification.